The following is an entry in ClinVar:

ClinVar aggregate classification (germline): Uncertain significance (1 of 4 stars; one submission).

Allele frequency attached by ClinVar (database versions not stated): TOPMed below 0.00001; gnomAD 0.00001; gnomAD exomes 0.00001 and 0.00002.
gnomAD v4.1: 17 of 1,613,114 alleles (0.0011%); highest among the groups gnomAD compares: Middle Eastern, 0.016%; no homozygotes.

Submission:

Labcorp Genetics (formerly Invitae), Labcorp
Classification: Uncertain significance. Last evaluated: 2022-06-13. Review status: criteria provided, single submitter. Criteria: Invitae Variant Classification Sherloc (09022015). Collection method: clinical testing. Allele origin: germline.
Comment: In summary, the available evidence is currently insufficient to determine the role of this variant in disease. Therefore, it has been classified as a Variant of Uncertain Significance. Algorithms developed to predict the effect of missense changes on protein structure and function (SIFT, PolyPhen-2, Align-GVGD) all suggest that this variant is likely to be disruptive. This variant has not been reported in the literature in individuals affected with ARHGEF18-related conditions. This variant is present in population databases (no rsID available, gnomAD 0.006%). This sequence change replaces serine, which is neutral and polar, with leucine, which is neutral and non-polar, at codon 1101 of the ARHGEF18 protein (p.Ser1101Leu).

NM_001367823.1(ARHGEF18):c.3866C>T (p.Ser1289Leu)

Gene: ARHGEF18 (Rho/Rac guanine nucleotide exchange factor 18; plus strand). Cytogenetic location: 19p13.2.
Variant type: single nucleotide variant.
Coding change: c.3866C>T on transcript NM_001367823.1 (MANE Select); coding-DNA position 3866, C replaced by T.
Protein change: p.Ser1289Leu; replaces serine 1289 with leucine.
Molecular consequence: missense variant.
Genome position (GRCh38, 1-based): chr19:7,469,982, C>T. VCF-style: chr19-7469982-C-T. GRCh37 (hg19) VCF-style: chr19-7534868-C-T.
Other names: c.3140C>T, p.Ser1047Leu (NM_001130955.2); c.2828C>T, p.Ser943Leu (NM_001367824.1, NM_015318.4); short protein forms S943L, S1047L, S1289L.
Identifiers: ClinVar variation 1479042 (VCV001479042.8), dbSNP rs1446018186, ClinGen allele CA403096328.